The following is an entry in ClinVar:

NM_152327.5(AK7):c.1022G>A (p.Arg341Gln)

Gene: AK7 (adenylate kinase 7; plus strand). Cytogenetic location: 14q32.2.
Variant type: single nucleotide variant.
Coding change: c.1022G>A on transcript NM_152327.5 (MANE Select); coding-DNA position 1022, G replaced by A.
Protein change: p.Arg341Gln; replaces arginine 341 with glutamine.
Molecular consequence: missense variant.
Genome position (GRCh38, 1-based): chr14:96,451,494, G>A. VCF-style: chr14-96451494-G-A. GRCh37 (hg19) VCF-style: chr14-96917831-G-A.
Other names: c.1022G>A, p.Arg341Gln (NM_001350888.2, NM_001350890.2, NM_001350892.2); c.944G>A, p.Arg315Gln (NM_001350891.2); c.1022G>A (NM_152327.2); short protein forms R315Q, R341Q.
Identifiers: ClinVar variation 2286469 (VCV002286469.7), dbSNP rs773352505, ClinGen allele CA7337727.

ClinVar aggregate classification (germline): Uncertain significance. Review status: criteria provided, multiple submitters, no conflicts (2 of 4 stars). 2 submissions from 2 submitters: Uncertain significance (2). Last evaluated 2024-10-25.

Allele frequency attached by ClinVar (database versions not stated): ExAC 0.00003; TOPMed 0.00005; gnomAD 0.00007.
gnomAD v4.1: 144 of 1,603,382 alleles (0.009%); highest among the groups gnomAD compares: Non-Finnish European, 0.012%; no homozygotes.

Submissions (2):

Ambry Genetics
Classification: Uncertain significance. Last evaluated: 2024-10-25. Review status: criteria provided, single submitter. Criteria: Ambry Variant Classification Scheme 2023. Collection method: clinical testing. Allele origin: germline.

Labcorp Genetics (formerly Invitae), Labcorp
Classification: Uncertain significance. Last evaluated: 2023-10-05. Review status: criteria provided, single submitter. Criteria: Invitae Variant Classification Sherloc (09022015). Collection method: clinical testing. Allele origin: germline.
Comment: This sequence change replaces arginine, which is basic and polar, with glutamine, which is neutral and polar, at codon 341 of the AK7 protein (p.Arg341Gln). This variant is present in population databases (rs773352505, gnomAD 0.006%). This variant has not been reported in the literature in individuals affected with AK7-related conditions. ClinVar contains an entry for this variant (Variation ID: 2286469). Advanced modeling of protein sequence and biophysical properties (such as structural, functional, and spatial information, amino acid conservation, physicochemical variation, residue mobility, and thermodynamic stability) performed at Invitae indicates that this missense variant is not expected to disrupt AK7 protein function. In summary, the available evidence is currently insufficient to determine the role of this variant in disease. Therefore, it has been classified as a Variant of Uncertain Significance.